The following is an entry in ClinVar:

NM_000535.7(PMS2):c.158A>G (p.Asn53Ser)

Gene: PMS2 (PMS1 homolog 2, mismatch repair system component; minus strand). Cytogenetic location: 7p22.1.
Variant type: single nucleotide variant.
Coding change: c.158A>G on transcript NM_000535.7 (MANE Select); coding-DNA position 158, A replaced by G.
Protein change: p.Asn53Ser; replaces asparagine 53 with serine.
Molecular consequence: missense variant. On other transcripts: 5 prime UTR variant (8), non-coding transcript variant (1), intron variant (3).
Genome position (GRCh38, 1-based): chr7:6,005,897, T>C on the plus strand (A>G on the coding strand, the complement: PMS2 is on the minus strand). VCF-style: chr7-6005897-T-C. GRCh37 (hg19) VCF-style: chr7-6045528-T-C.
Other names: c.-248A>G (NM_001322003.2, NM_001322005.2, NM_001322009.2 and 1 more transcripts); c.158A>G, p.Asn53Ser (NM_001322006.2, NM_001322014.2); c.-58A>G (NM_001322007.2); c.-727A>G (NM_001322011.2, NM_001322012.2); c.-327A>G (NM_001322015.2); c.-52-1839A>G (NM_001322008.2); c.-242-1839A>G (NM_001322010.2, NM_001322004.2); short protein forms N53S.
Identifiers: ClinVar variation 819556 (VCV000819556.15), dbSNP rs1272484713, ClinGen allele CA366744954.
Genomic context (GRCh38, chr7:6,005,897, plus strand): 5'-ACTACAACAACATTCACAGATCATTTCTTGTGGCTTAAAACTCTCCCAAACTTACCAATA[T>C]TAGTGGCACCAGCATCCAGACTGTTTTCTACTAACTCCTTTACCGCAGTGCTTAGACTCA-3'
Protein context (NP_000526.2, residues 43-63): VENSLDAGAT[Asn53Ser]IDLKLKDYGV

ClinVar aggregate classification (germline): Conflicting classifications of pathogenicity. Review status: criteria provided, conflicting classifications (1 of 4 stars). 3 submissions from 3 submitters: Uncertain significance (2); Likely benign (1). Last evaluated 2025-12-29.

Conditions:
Hereditary nonpolyposis colorectal neoplasms. Identifiers: MedGen C0009405, MeSH D003123.
Hereditary cancer-predisposing syndrome. Also called: Neoplastic Syndromes, Hereditary; Tumor predisposition; Hereditary Cancer Syndrome; Hereditary neoplastic syndrome. Identifiers: Orphanet 140162, MedGen C0027672, MeSH D009386, MONDO:0015356.

Allele frequency attached by ClinVar (database versions not stated): gnomAD exomes below 0.00001.

Submissions (3):

Center for Genomic Medicine, Rigshospitalet, Copenhagen University Hospital
Classification: Uncertain significance. Last evaluated: 2025-12-29. Review status: criteria provided, single submitter. Criteria: ACMG Guidelines, 2015. Collection method: clinical testing. Allele origin: germline.
Comment: Classification criteria: BP4

Labcorp Genetics (formerly Invitae), Labcorp
Classification: Uncertain significance for Hereditary nonpolyposis colorectal neoplasms. Last evaluated: 2024-04-07. Review status: criteria provided, single submitter. Criteria: Invitae Variant Classification Sherloc (09022015). Collection method: clinical testing. Allele origin: germline.
Comment: This sequence change replaces asparagine, which is neutral and polar, with serine, which is neutral and polar, at codon 53 of the PMS2 protein (p.Asn53Ser). This variant is present in population databases (no rsID available, gnomAD 0.0009%). This variant has not been reported in the literature in individuals affected with PMS2-related conditions. ClinVar contains an entry for this variant (Variation ID: 819556). Advanced modeling of protein sequence and biophysical properties (such as structural, functional, and spatial information, amino acid conservation, physicochemical variation, residue mobility, and thermodynamic stability) performed at Invitae indicates that this missense variant is not expected to disrupt PMS2 protein function with a negative predictive value of 80%. In summary, the available evidence is currently insufficient to determine the role of this variant in disease. Therefore, it has been classified as a Variant of Uncertain Significance.

Ambry Genetics
Classification: Likely benign for Hereditary cancer-predisposing syndrome. Last evaluated: 2019-10-18. Review status: criteria provided, single submitter. Criteria: Ambry Variant Classification Scheme 2023. Collection method: clinical testing. Allele origin: germline.